The following is an entry in ClinVar:

ClinVar aggregate classification (germline): Benign/Likely benign. Review status: criteria provided, multiple submitters, no conflicts (2 of 4 stars). 19 submissions from 17 submitters: Benign (12); Likely benign (2). 5 of the submissions do not count toward it. Last evaluated 2026-02-04.

Conditions:
Cardiovascular phenotype. Identifiers: MedGen CN230736.
Cardiomyopathy (CMYO). Also called: Cardiomyopathies. Identifiers: Orphanet 167848, MedGen C0878544, MONDO:0004994, HP:0001638. Inheritance: Various modes of inheritance.
Dilated cardiomyopathy 2A (CMD2A). Also called: CARDIOMYOPATHY, DILATED, AUTOSOMAL RECESSIVE; CARDIOMYOPATHY, CONGESTIVE, AUTOSOMAL RECESSIVE. Identifiers: Orphanet 154, MedGen C2678474, MONDO:0012746, OMIM 611880.
Cardiomyopathy, familial restrictive, 1. Identifiers: Orphanet 75249, MedGen C1861861, MONDO:0007270, OMIM 115210.
Hypertrophic cardiomyopathy 7. Also called: CARDIOMYOPATHY, FAMILIAL HYPERTROPHIC, 7, MODIFIER OF; TNNI3-Related Familial Hypertrophic Cardiomyopathy; Familial hypertrophic cardiomyopathy 7. Identifiers: MedGen C1860752, MONDO:0013369, OMIM 613690.
Hypertrophic cardiomyopathy. Also called: HYPERTROPHIC MYOCARDIOPATHY. Identifiers: Orphanet 217569, MedGen C0007194, MeSH D002312, MONDO:0005045, HP:0001639.

Allele frequency attached by ClinVar (database versions not stated): gnomAD exomes 0.00760; ExAC 0.01041; ESP Exome Variant Server 0.02441; gnomAD 0.03131 and 0.03372; TOPMed 0.03545; 1000 Genomes Project 0.03614; 1000 Genomes Project 30x 0.04013.

Submissions (19):

Labcorp Genetics (formerly Invitae), Labcorp
Classification: Benign for Hypertrophic cardiomyopathy. Last evaluated: 2026-02-04. Review status: criteria provided, single submitter. Criteria: Invitae Variant Classification Sherloc (09022015). Collection method: clinical testing. Allele origin: germline.

Molecular Diagnostic Laboratory for Inherited Cardiovascular Disease, Montreal Heart Institute
Classification: Benign. Last evaluated: 2025-04-08. Review status: criteria provided, single submitter. Criteria: ACMG Guidelines, 2015. Collection method: clinical testing. Allele origin: germline. Affected: no.

Blueprint Genetics
Classification: Benign. Last evaluated: 2024-11-26. Review status: criteria provided, single submitter. Criteria: ACMG Guidelines, 2015. Collection method: clinical testing. Allele origin: germline.

All of Us Research Program, National Institutes of Health
Classification: Benign for Hypertrophic cardiomyopathy. Last evaluated: 2024-02-05. Review status: criteria provided, single submitter. Criteria: ACMG Guidelines, 2015. Collection method: clinical testing. Allele origin: germline. Inheritance: Autosomal dominant inheritance. Observed: 1,798 variant alleles, 1,715 heterozygotes, 83 homozygotes.
Comment: This study involves interpretation of variants in research participants for the purpose of population health screening. Participant phenotype was not available at the time of variant classification. Additional details can be found in publication PMID: 35346344, PMCID: PMC8962531

Color Diagnostics, LLC DBA Color Health
Classification: Benign for Cardiomyopathy. Last evaluated: 2018-03-16. Review status: criteria provided, single submitter. Criteria: ACMG Guidelines, 2015. Collection method: clinical testing. Allele origin: germline.

Illumina Laboratory Services, Illumina
Classification: Likely benign for Dilated cardiomyopathy 2A. Last evaluated: 2018-01-13. Review status: criteria provided, single submitter. Criteria: ICSL Variant Classification Criteria 13 December 2019. Collection method: clinical testing. Allele origin: germline.
Comment: This variant was observed in the ICSL laboratory as part of a predisposition screen in an ostensibly healthy population. It had not been previously curated by ICSL or reported in the Human Gene Mutation Database (HGMD: prior to June 1st, 2018), and was therefore a candidate for classification through an automated scoring system. Utilizing variant allele frequency, disease prevalence and penetrance estimates, and inheritance mode, an automated score was calculated to assess if this variant is too frequent to cause the disease. Based on the score and internal cut-off values, a variant classified as likely benign is not then subjected to further curation. The score for this variant resulted in a classification of likely benign for this disease.

Illumina Laboratory Services, Illumina
Classification: Benign for Hypertrophic cardiomyopathy 7. Last evaluated: 2018-01-13. Review status: criteria provided, single submitter. Criteria: ICSL Variant Classification Criteria 13 December 2019. Collection method: clinical testing. Allele origin: germline.
Comment: This variant was observed in the ICSL laboratory as part of a predisposition screen in an ostensibly healthy population. It had not been previously curated by ICSL or reported in the Human Gene Mutation Database (HGMD: prior to June 1st, 2018), and was therefore a candidate for classification through an automated scoring system. Utilizing variant allele frequency, disease prevalence and penetrance estimates, and inheritance mode, an automated score was calculated to assess if this variant is too frequent to cause the disease. Based on the score and internal cut-off values, a variant classified as benign is not then subjected to further curation. The score for this variant resulted in a classification of benign for this disease.

Illumina Laboratory Services, Illumina
Classification: Benign for Cardiomyopathy, familial restrictive, 1. Last evaluated: 2018-01-13. Review status: criteria provided, single submitter. Criteria: ICSL Variant Classification Criteria 13 December 2019. Collection method: clinical testing. Allele origin: germline.
Comment: the same text as in the submission from Illumina Laboratory Services, Illumina above.

Ambry Genetics
Classification: Benign for Cardiovascular phenotype. Last evaluated: 2015-07-08. Review status: criteria provided, single submitter. Criteria: Ambry Variant Classification Scheme 2023. Collection method: clinical testing. Allele origin: germline.

GeneDx
Classification: Benign. Last evaluated: 2015-03-03. Review status: criteria provided, single submitter. Criteria: GeneDx Variant Classification Process June 2021. Collection method: clinical testing. Allele origin: germline. Affected: yes.

Mayo Clinic Laboratories, Mayo Clinic
Classification: Benign. Last evaluated: 2014-10-17. Review status: criteria provided, single submitter. Criteria: ACMG Guidelines, 2015. Collection method: clinical testing. Allele origin: germline. Observed: 62 variant alleles.

Laboratory for Molecular Medicine, Mass General Brigham Personalized Medicine
Classification: Benign. Last evaluated: 2007-12-21. Review status: criteria provided, single submitter. Criteria: LMM Criteria. Collection method: clinical testing. Allele origin: germline. Observed: 158 variant alleles.

Breakthrough Genomics
Classification: Likely benign. Review status: criteria provided, single submitter. Criteria: ACMG Guidelines, 2015. Collection method: not provided. Allele origin: germline. Inheritance: Autosomal recessive inheritance. Affected: yes.

PreventionGenetics, part of Exact Sciences
Classification: Benign. Review status: criteria provided, single submitter. Criteria: ACMG Guidelines, 2015. Collection method: clinical testing. Allele origin: germline.

Cohesion Phenomics
Classification: Benign for Hypertrophic Cardiomyopathy. Last evaluated: 2022-10-10. Review status: no assertion criteria provided. Criteria: ACMG Guidelines, 2015. Collection method: clinical testing. Allele origin: germline. Affected: yes. Not counted in ClinVar's aggregate classification.

Clinical Genetics DNA and cytogenetics Diagnostics Lab, Erasmus MC, Erasmus Medical Center
Classification: Benign. Review status: no assertion criteria provided. Collection method: clinical testing. Allele origin: germline. Affected: yes. Study: VKGL Data-share Consensus. Not counted in ClinVar's aggregate classification.

Clinical Genetics, Academic Medical Center
Classification: Benign. Review status: no assertion criteria provided. Collection method: clinical testing. Allele origin: germline. Affected: yes. Study: VKGL Data-share Consensus. Not counted in ClinVar's aggregate classification.

Genome Diagnostics Laboratory, University Medical Center Utrecht
Classification: Benign. Review status: no assertion criteria provided. Collection method: clinical testing. Allele origin: germline. Affected: yes. Study: VKGL Data-share Consensus. Not counted in ClinVar's aggregate classification.

Joint Genome Diagnostic Labs from Nijmegen and Maastricht, Radboudumc and MUMC+
Classification: Benign. Review status: no assertion criteria provided. Collection method: clinical testing. Allele origin: germline. Affected: yes. Study: VKGL Data-share Consensus. Not counted in ClinVar's aggregate classification.

NM_000363.5(TNNI3):c.198G>A (p.Glu66=)

Gene: TNNI3 (troponin I3, cardiac type; minus strand). Cytogenetic location: 19q13.42.
Variant type: single nucleotide variant.
Coding change: c.198G>A on transcript NM_000363.5 (MANE Select); coding-DNA position 198, G replaced by A.
Protein change: p.Glu66=; no amino-acid change (glutamic acid 66 retained).
Molecular consequence: synonymous variant.
Genome position (GRCh38, 1-based): chr19:55,156,285, C>T on the plus strand (G>A on the coding strand, the complement: TNNI3 is on the minus strand). VCF-style: chr19-55156285-C-T. GRCh37 (hg19) VCF-style: chr19-55667653-C-T.
Other names: p.Glu66=.
Identifiers: ClinVar variation 43364 (VCV000043364.42), dbSNP rs3729710, ClinGen allele CA021344.